The following is an entry in ClinVar:

ClinVar aggregate classification (germline): Uncertain significance (1 of 4 stars; one submission).

Submission:

Labcorp Genetics (formerly Invitae), Labcorp
Classification: Uncertain significance. Last evaluated: 2024-09-10. Review status: criteria provided, single submitter. Criteria: Invitae Variant Classification Sherloc (09022015). Collection method: clinical testing. Allele origin: germline.
Comment: This sequence change replaces leucine, which is neutral and non-polar, with serine, which is neutral and polar, at codon 598 of the IFT88 protein (p.Leu598Ser). This variant is not present in population databases (gnomAD no frequency). This variant has not been reported in the literature in individuals affected with IFT88-related conditions. An algorithm developed to predict the effect of missense changes on protein structure and function (PolyPhen-2) suggests that this variant is likely to be tolerated. In summary, the available evidence is currently insufficient to determine the role of this variant in disease. Therefore, it has been classified as a Variant of Uncertain Significance.

NM_006531.5(IFT88):c.1766T>C (p.Leu589Ser)

Gene: IFT88 (intraflagellar transport 88; plus strand). Cytogenetic location: 13q12.11.
Variant type: single nucleotide variant.
Coding change: c.1766T>C on transcript NM_006531.5 (MANE Select); coding-DNA position 1766, T replaced by C.
Protein change: p.Leu589Ser; replaces leucine 589 with serine.
Molecular consequence: missense variant. On other transcripts: non-coding transcript variant (4).
Genome position (GRCh38, 1-based): chr13:20,643,538, T>C. VCF-style: chr13-20643538-T-C. GRCh37 (hg19) VCF-style: chr13-21217677-T-C.
Other names: c.1709T>C, p.Leu570Ser (NM_001318491.2, NM_001353575.2); c.1793T>C, p.Leu598Ser (NM_001318493.2, NM_001353565.2, NM_001353566.2 and 2 more transcripts); c.1766T>C, p.Leu589Ser (NM_001353568.2, NM_001353572.2); c.1691T>C, p.Leu564Ser (NM_001353569.2, NM_001353570.2, NM_001353576.2 and 1 more transcripts); c.1664T>C, p.Leu555Ser (NM_001353571.2, NM_001353578.2); c.1622T>C, p.Leu541Ser (NM_001353573.2); c.1607T>C, p.Leu536Ser (NM_001353574.2); c.1133T>C, p.Leu378Ser (NM_001353579.2); short protein forms L378S, L555S, L570S, L589S, L598S, L536S, L564S, L541S.
Identifiers: ClinVar variation 3730188 (VCV003730188.2).